The following is an entry in ClinVar:

ClinVar aggregate classification (germline): Likely benign (1 of 4 stars; one submission).

gnomAD v4.1: 1,142 of 1,608,786 alleles (0.071%); highest among the groups gnomAD compares: African/African-American, 0.43%; 5 homozygotes.

Submission:

CeGaT Center for Human Genetics Tuebingen
Classification: Likely benign. Last evaluated: 2024-07-01. Review status: criteria provided, single submitter. Criteria: CeGaT Center For Human Genetics Tuebingen Variant Classification Criteria Version 2. Collection method: clinical testing. Allele origin: germline. Affected: yes. Observed: 1 variant allele.
Comment: DGKQ: BP4, BP7, BS2

NM_001347.4(DGKQ):c.2472G>A (p.Ser824=)

Gene: DGKQ (diacylglycerol kinase theta; minus strand). Cytogenetic location: 4p16.3.
Variant type: single nucleotide variant.
Coding change: c.2472G>A on transcript NM_001347.4 (MANE Select); coding-DNA position 2472, G replaced by A.
Protein change: p.Ser824=; no amino-acid change (serine 824 retained).
Molecular consequence: synonymous variant.
Genome position (GRCh38, 1-based): chr4:961,569, C>T on the plus strand (G>A on the coding strand, the complement: DGKQ is on the minus strand). VCF-style: chr4-961569-C-T. GRCh37 (hg19) VCF-style: chr4-955357-C-T.
Identifiers: ClinVar variation 3257705 (VCV003257705.17).
Genomic context (GRCh38, chr4:961,569, plus strand): 5'-GTCGTCCATGCGTGGCTTCTCAAACCTGGTGTCGCTGTCGGAGCCCCACAGGTCGGCCCC[C>T]GAGCCCCAGCTGCCGCATAAGAGAGCGGGCACAGAGGTGTAGGTGCAGGCAGGACGAGGG-3'
Protein context (NP_001338.2, residues 814-834): LIFINIPSWG[Ser824=]GADLWGSDSD